The following is an entry in ClinVar:

NM_001205293.3(CACNA1E):c.5647G>A (p.Val1883Met)

Gene: CACNA1E (calcium voltage-gated channel subunit alpha1 E; plus strand). Cytogenetic location: 1q25.3.
Variant type: single nucleotide variant.
Coding change: c.5647G>A on transcript NM_001205293.3 (MANE Select); coding-DNA position 5647, G replaced by A.
Protein change: p.Val1883Met; replaces valine 1883 with methionine.
Molecular consequence: missense variant.
Genome position (GRCh38, 1-based): chr1:181,785,386, G>A. VCF-style: chr1-181785386-G-A. GRCh37 (hg19) VCF-style: chr1-181754522-G-A.
Other names: c.5647G>A (NM_001205293.1); c.5647G>A, p.Val1883Met (NM_000721.4); c.5590G>A, p.Val1864Met (NM_001205294.2); short protein forms V1864M, V1883M.
Identifiers: ClinVar variation 1659953 (VCV001659953.12), dbSNP rs557456591, ClinGen allele CA1276155.

ClinVar aggregate classification (germline): Benign/Likely benign. Review status: criteria provided, multiple submitters, no conflicts (2 of 4 stars). 4 submissions from 4 submitters: Benign (1); Likely benign (3). Last evaluated 2026-04-01.

Conditions:
Inborn genetic diseases. Identifiers: MedGen C0950123, MeSH D030342.

Allele frequency attached by ClinVar (database versions not stated): ExAC 0.00017; 1000 Genomes Project 0.00040; 1000 Genomes Project 30x 0.00047.
gnomAD v4.1: 86 of 1,613,354 alleles (0.0053%); highest among the groups gnomAD compares: East Asian, 0.17%; no homozygotes.

Submissions (4):

CeGaT Center for Human Genetics Tuebingen
Classification: Likely benign. Last evaluated: 2026-04-01. Review status: criteria provided, single submitter. Criteria: CeGaT Center For Human Genetics Tuebingen Variant Classification Criteria Version 2. Collection method: clinical testing. Allele origin: germline. Affected: yes. Observed: 1 variant allele.
Comment: CACNA1E: BS1

Labcorp Genetics (formerly Invitae), Labcorp
Classification: Benign. Last evaluated: 2026-01-11. Review status: criteria provided, single submitter. Criteria: Invitae Variant Classification Sherloc (09022015). Collection method: clinical testing. Allele origin: germline.

Ambry Genetics
Classification: Likely benign for Inborn genetic diseases. Last evaluated: 2024-02-06. Review status: criteria provided, single submitter. Criteria: Ambry Variant Classification Scheme 2023. Collection method: clinical testing. Allele origin: germline.

Blueprint Genetics
Classification: Likely benign. Last evaluated: 2023-11-29. Review status: criteria provided, single submitter. Criteria: ACMG Guidelines, 2015. Collection method: clinical testing. Allele origin: germline.